The following is an entry in ClinVar:

ClinVar aggregate classification (germline): Likely pathogenic (1 of 4 stars; one submission).

Conditions:
Tumor predisposition syndrome 3 (TPDS3). Also called: Melanoma, cutaneous malignant, susceptibility to, 10; Glioma susceptibility 9; LONG TELOMERE SYNDROME, POT1-RELATED; POT1 Tumor Predisposition. Identifiers: Orphanet 618, MedGen C4014476, MONDO:0014368, OMIM 615848.

Submission:

Labcorp Genetics (formerly Invitae), Labcorp
Classification: Likely pathogenic for Tumor predisposition syndrome 3. Last evaluated: 2022-03-01. Review status: criteria provided, single submitter. Criteria: Invitae Variant Classification Sherloc (09022015). Collection method: clinical testing. Allele origin: germline.
Comment: This variant has not been reported in the literature in individuals affected with POT1-related conditions. In summary, the currently available evidence indicates that the variant is pathogenic, but additional data are needed to prove that conclusively. Therefore, this variant has been classified as Likely Pathogenic. Algorithms developed to predict the effect of sequence changes on RNA splicing suggest that this variant may disrupt the consensus splice site. This variant is not present in population databases (gnomAD no frequency). This sequence change affects a donor splice site in intron 10 of the POT1 gene. It is expected to disrupt RNA splicing. Variants that disrupt the donor or acceptor splice site typically lead to a loss of protein function (PMID: 16199547), and loss-of-function variants in POT1 are known to be pathogenic (PMID: 32155570).

Literature cited by the submitters: PubMed 16199547; PubMed 32155570.

NM_015450.3(POT1):c.869+1G>T

Gene: POT1 (protection of telomeres 1; minus strand). Cytogenetic location: 7q31.33.
Variant type: single nucleotide variant.
Coding change: c.869+1G>T on transcript NM_015450.3 (MANE Select); the canonical splice donor site of the intron after coding-DNA position 869, G replaced by T.
Molecular consequence: splice donor variant.
Genome position (GRCh38, 1-based): chr7:124,852,971, C>A on the plus strand (G>T on the coding strand, the complement: POT1 is on the minus strand). VCF-style: chr7-124852971-C-A. GRCh37 (hg19) VCF-style: chr7-124493025-C-A.
Other names: c.476+1G>T (NM_001042594.2).
Identifiers: ClinVar variation 2105115 (VCV002105115.4), dbSNP rs2116504255, ClinGen allele CA369054729.